The following is an entry in ClinVar:

ClinVar aggregate classification (germline): Conflicting classifications of pathogenicity. Review status: criteria provided, conflicting classifications (1 of 4 stars). 3 submissions from 3 submitters: Pathogenic (1); Likely pathogenic (1); Uncertain significance (1). Last evaluated 2026-01-08.

Conditions:
Intrauterine growth retardation, metaphyseal dysplasia, adrenal hypoplasia congenita, genital anomalies, and immunodeficiency. Also called: IMAGEI SYNDROME. Identifiers: MedGen C5193036, MONDO:0032684, OMIM 618336.
Colorectal cancer, susceptibility to, 12 (CRCS12). Also called: COLORECTAL CANCER, SUSCEPTIBILITY TO, ON CHROMOSOME 12q24. Identifiers: Orphanet 220460, MedGen C3554460, MONDO:0014038, OMIM 615083.
Facial dysmorphism-immunodeficiency-livedo-short stature syndrome. Also called: Facial dysmorphism, immunodeficiency, livedo, and short stature; FILS syndrome. Identifiers: Orphanet 352712, MedGen C3554576, MONDO:0014058, OMIM 615139.
Hereditary cancer-predisposing syndrome. Also called: Neoplastic Syndromes, Hereditary; Hereditary neoplastic syndrome; Tumor predisposition; Hereditary Cancer Syndrome. Identifiers: Orphanet 140162, MedGen C0027672, MeSH D009386, MONDO:0015356.

Submissions (3):

Ambry Genetics
Classification: Uncertain significance for Hereditary cancer-predisposing syndrome. Last evaluated: 2026-01-08. Review status: criteria provided, single submitter. Criteria: Ambry Variant Classification Scheme 2023. Collection method: clinical testing. Allele origin: germline.
Comment: The c.6088delG variant, located in coding exon 44 of the POLE gene, results from a deletion of one nucleotide at nucleotide position 6088, causing a translational frameshift with a predicted alternate stop codon (p.A2030Pfs*18). This alteration is expected to result in loss of function by premature protein truncation or nonsense-mediated mRNA decay. Although biallelic loss of function of POLE has been associated with autosomal recessive POLE deficiency, haploinsufficiency of POLE has not been established as a mechanism of disease for POLE-related polymerase proofreading-associated polyposis (PPAP) and POLE-related CMMRD-like syndrome. Based on the supporting evidence, this variant is expected to be causative of POLE deficiency when present along with a second pathogenic variant on the other allele; however, its clinical significance for PPAP and POLE-related CMMRD-like syndrome is unclear.

Labcorp Genetics (formerly Invitae), Labcorp
Classification: Pathogenic. Last evaluated: 2024-11-28. Review status: criteria provided, single submitter. Criteria: Invitae Variant Classification Sherloc (09022015). Collection method: clinical testing. Allele origin: germline.
Comment: This sequence change creates a premature translational stop signal (p.Ala2030Profs*18) in the POLE gene. It is expected to result in an absent or disrupted protein product. Loss-of-function variants in POLE are known to be pathogenic (PMID: 23230001, 25948378, 30503519). This variant is not present in population databases (gnomAD no frequency). This variant has not been reported in the literature in individuals affected with POLE-related conditions. ClinVar contains an entry for this variant (Variation ID: 405682). For these reasons, this variant has been classified as Pathogenic.

Juno Genomics, Hangzhou Juno Genomics, Inc
Classification: Likely pathogenic for Colorectal cancer, susceptibility to, 12; Facial dysmorphism-immunodeficiency-livedo-short stature syndrome; Intrauterine growth retardation, metaphyseal dysplasia, adrenal hypoplasia congenita, genital anomalies, and immunodeficiency. Review status: criteria provided, single submitter. Criteria: ACMG Guidelines, 2015. Collection method: clinical testing. Allele origin: germline. Affected: yes.
Comment: Absent from controls (or at extremely low frequency if recessive) in Genome Aggregation Database, Exome Sequencing Project, 1000 Genomes Project, or Exome Aggregation Consortium.;Null variant in a gene where loss of function (LOF) is a known mechanism of disease.

Literature cited by the submitters: PubMed 23230001 (cited by Labcorp Genetics (formerly Invitae), Labcorp); PubMed 25948378 (cited by Labcorp Genetics (formerly Invitae), Labcorp); PubMed 30503519 (cited by Labcorp Genetics (formerly Invitae), Labcorp).

NM_006231.4(POLE):c.6088del (p.Ala2030fs)

Gene: POLE (DNA polymerase epsilon, catalytic subunit; minus strand). Cytogenetic location: 12q24.33.
Variant type: Deletion.
Coding change: c.6088del on transcript NM_006231.4 (MANE Select); coding-DNA position 6088, one base deleted (G; older notation c.6088delG).
Protein change: p.Ala2030fs; shifts the reading frame from alanine 2030.
Molecular consequence: frameshift variant.
Genome position (GRCh38, 1-based): chr12:132,632,712, C deleted on the plus strand (G on the coding strand, the reverse complement: POLE is on the minus strand); the first of 6 consecutive C bases (chr12:132,632,712-132,632,717); deleting any one gives the same sequence. VCF-style (leftmost placement, unchanged base first): chr12-132632711-GC-G. GRCh37 (hg19) VCF-style: chr12-133209297-GC-G.
Other names: short protein forms A2030fs.
Identifiers: ClinVar variation 405682 (VCV000405682.18), dbSNP rs1060500809, ClinGen allele CA16613723.